The following is an entry in ClinVar:

NM_000260.4(MYO7A):c.2361C>A (p.Tyr787Ter)

Gene: MYO7A (myosin VIIA; plus strand). Cytogenetic location: 11q13.5.
Variant type: single nucleotide variant.
Coding change: c.2361C>A on transcript NM_000260.4 (MANE Select); coding-DNA position 2361, C replaced by A.
Protein change: p.Tyr787Ter; replaces tyrosine 787 with a stop codon.
Molecular consequence: nonsense.
Genome position (GRCh38, 1-based): chr11:77,179,123, C>A. VCF-style: chr11-77179123-C-A. GRCh37 (hg19) VCF-style: chr11-76890169-C-A.
Other names: c.2361C>A, p.Tyr787Ter (NM_001127180.2); c.2328C>A, p.Tyr776Ter (NM_001369365.1); short protein forms Y787*, Y776*.
Identifiers: ClinVar variation 554512 (VCV000554512.3), dbSNP rs1555082145, ClinGen allele CA381941077.

ClinVar aggregate classification (germline): Likely pathogenic. Review status: criteria provided, single submitter (1 of 4 stars). 2 submissions from 2 submitters: Likely pathogenic (1). 1 of the submissions does not count toward it. Last evaluated 2025-12-09.

Conditions:
Autosomal recessive nonsyndromic hearing loss 2. Also called: DEAFNESS, AUTOSOMAL RECESSIVE 2; NEUROSENSORY NONSYNDROMIC RECESSIVE DEAFNESS 2. Identifiers: Orphanet 90636, MedGen C1838701, MONDO:0010807, OMIM 600060.
Usher syndrome type 1 (USH1). Also called: RETINITIS PIGMENTOSA AND CONGENITAL DEAFNESS. Identifiers: Orphanet 231169, Orphanet 886, MedGen C1568247, MONDO:0010168, OMIM 276900.

Submissions (2):

Genetics Research Center, University of Social Welfare and Rehabilitation Sciences
Classification: Likely pathogenic for Autosomal recessive nonsyndromic hearing loss 2. Last evaluated: 2025-12-09. Review status: criteria provided, single submitter. Criteria: ACMG Guidelines, 2015. Collection method: research. Allele origin: germline. Affected: yes.
Comment: The variant is not present in the gnomAD v2.1.1 dataset and has been previously reported in individual(s) affected with MYO7A-related hearing loss (PMID:29568747, 23804846). It is a stop-gain mutation expected to disrupt normal protein function either through nonsense-mediated decay (NMD) or by producing a truncated protein.

Counsyl
Classification: Likely pathogenic for Usher syndrome type 1; Autosomal recessive nonsyndromic hearing loss 2. Last evaluated: 2017-10-24. Review status: no assertion criteria provided. Collection method: clinical testing. Allele origin: unknown. Not counted in ClinVar's aggregate classification.

Literature cited by the submitters: PubMed 29568747 (cited by Genetics Research Center, University of Social Welfare and Rehabilitation Sciences); PubMed 23804846 (cited by Genetics Research Center, University of Social Welfare and Rehabilitation Sciences and Counsyl).